The following is an entry in ClinVar:

NM_001042492.3(NF1):c.7812C>G (p.Leu2604=)

Gene: NF1 (neurofibromin 1; plus strand). Cytogenetic location: 17q11.2.
Variant type: single nucleotide variant.
Coding change: c.7812C>G on transcript NM_001042492.3 (MANE Select); coding-DNA position 7812, C replaced by G.
Protein change: p.Leu2604=; no amino-acid change (leucine 2604 retained).
Molecular consequence: synonymous variant.
Genome position (GRCh38, 1-based): chr17:31,357,033, C>G. VCF-style: chr17-31357033-C-G. GRCh37 (hg19) VCF-style: chr17-29684051-C-G.
Other names: c.7749C>G, p.Leu2583= (NM_000267.4).
Identifiers: ClinVar variation 484050 (VCV000484050.13), dbSNP rs1555536702, ClinGen allele CA499239452.
Genomic context (GRCh38, chr17:31,357,033, plus strand): 5'-TTCCTCATCACAACAGCACCCACATTTACGTAAAGTTTCAGTGTCTGAATCAAATGTTCT[C>G]TTGGATGAAGAAGTACTTACTGATCCGAAGATCCAGGCGCTGCTTCTTACTGTTCTAGTA-3'
Protein context (NP_001035957.1, residues 2594-2614): RKVSVSESNV[Leu2604=]LDEEVLTDPK

ClinVar aggregate classification (germline): Benign/Likely benign. Review status: criteria provided, multiple submitters, no conflicts (2 of 4 stars). 4 submissions from 4 submitters: Benign (1); Likely benign (3). Last evaluated 2026-09-28.

Conditions:
Cardiovascular phenotype. Identifiers: MedGen CN230736.
Hereditary cancer-predisposing syndrome. Also called: Tumor predisposition; Neoplastic Syndromes, Hereditary; Hereditary Cancer Syndrome; Hereditary neoplastic syndrome. Identifiers: Orphanet 140162, MedGen C0027672, MeSH D009386, MONDO:0015356.
Neurofibromatosis, type 1 (NF1). Also called: NEUROFIBROMATOSIS, TYPE I, SOMATIC; Peripheral type neurofibromatosis; VON RECKLINGHAUSEN DISEASE; Neurofibromatosis, type I. Identifiers: Orphanet 636, MedGen C0027831, MONDO:0018975, OMIM 162200. Disease mechanism: loss of function.

Allele frequency attached by ClinVar (database versions not stated): gnomAD exomes below 0.00001.
gnomAD v4.1: 2 of 1,613,972 alleles (0.00012%); highest among the groups gnomAD compares: Non-Finnish European, 0.00017%; no homozygotes.

Submissions (4):

Myriad Genetics, Inc.
Classification: Benign for Neurofibromatosis, type 1. Last evaluated: 2026-09-28. Review status: criteria provided, single submitter. Criteria: Myriad Autosomal Dominant, Autosomal Recessive and X-Linked Classification Criteria (2023). Collection method: clinical testing. Allele origin: unknown.
Comment: This variant is considered benign. This variant is a silent/synonymous amino acid change and it is not expected to impact splicing.

Labcorp Genetics (formerly Invitae), Labcorp
Classification: Likely benign for Neurofibromatosis, type 1. Last evaluated: 2025-09-16. Review status: criteria provided, single submitter. Criteria: Invitae Variant Classification Sherloc (09022015). Collection method: clinical testing. Allele origin: germline.

Genome-Nilou Lab
Classification: Likely benign for Neurofibromatosis, type 1. Last evaluated: 2022-03-15. Review status: criteria provided, single submitter. Criteria: ACMG Guidelines, 2015. Collection method: clinical testing. Allele origin: germline. Affected: no.

Ambry Genetics
Classification: Likely benign for Cardiovascular phenotype; Hereditary cancer-predisposing syndrome. Last evaluated: 2016-08-02. Review status: criteria provided, single submitter. Criteria: Ambry Variant Classification Scheme 2023. Collection method: clinical testing. Allele origin: germline.